The following is an entry in ClinVar:

ClinVar aggregate classification (germline): Uncertain significance. Review status: criteria provided, multiple submitters, no conflicts (2 of 4 stars). 3 submissions from 3 submitters: Uncertain significance (3). Last evaluated 2025-09-29.

Conditions:
Marfan syndrome (MFS). Also called: Marfan's syndrome; Marfan syndrome, classic; MARFAN SYNDROME, TYPE I; Marfan syndrome type 1; FBN1-Related Marfan Syndrome. Identifiers: Orphanet 284963, Orphanet 558, MedGen C0024796, MONDO:0007947, OMIM 154700.
Familial thoracic aortic aneurysm and aortic dissection (TAAD). Also called: Thoracic aortic aneurysms and dissections. Identifiers: Orphanet 91387, MedGen C4707243, MONDO:0019625.

Submissions (3):

Ambry Genetics
Classification: Uncertain significance for Familial thoracic aortic aneurysm and aortic dissection. Last evaluated: 2025-09-29. Review status: criteria provided, single submitter. Criteria: Ambry Variant Classification Scheme 2023. Collection method: clinical testing. Allele origin: germline.
Comment: The c.5672-4C>G intronic variant results from a C to G substitution 4 nucleotides before coding exon 46 in the FBN1 gene. This nucleotide position is well conserved in available vertebrate species. In silico splice site analysis predicts that this alteration will result in the creation or strengthening of a novel splice acceptor site. Based on the available evidence, the clinical significance of this variant remains unclear.

GeneDx
Classification: Uncertain significance. Last evaluated: 2022-04-28. Review status: criteria provided, single submitter. Criteria: GeneDx Variant Classification Process June 2021. Collection method: clinical testing. Allele origin: germline. Affected: yes.
Comment: Has not been previously published as pathogenic or benign to our knowledge; Not observed at significant frequency in large population cohorts (gnomAD); In silico analysis supports a deleterious effect on splicing

Labcorp Genetics (formerly Invitae), Labcorp
Classification: Uncertain significance for Marfan syndrome; Familial thoracic aortic aneurysm and aortic dissection. Last evaluated: 2022-01-26. Review status: criteria provided, single submitter. Criteria: Invitae Variant Classification Sherloc (09022015). Collection method: clinical testing. Allele origin: germline.
Comment: In summary, the available evidence is currently insufficient to determine the role of this variant in disease. Therefore, it has been classified as a Variant of Uncertain Significance. Algorithms developed to predict the effect of sequence changes on RNA splicing suggest that this variant may disrupt the consensus splice site. This variant has not been reported in the literature in individuals affected with FBN1-related conditions. This variant is not present in population databases (gnomAD no frequency). This sequence change falls in intron 46 of the FBN1 gene. It does not directly change the encoded amino acid sequence of the FBN1 protein.

NM_000138.5(FBN1):c.5672-4C>G

Gene: FBN1 (fibrillin 1; minus strand). Cytogenetic location: 15q21.1.
Variant type: single nucleotide variant.
Coding change: c.5672-4C>G on transcript NM_000138.5 (MANE Select); 4 bases into the intron before coding-DNA position 5672, C replaced by G.
Molecular consequence: intron variant.
Genome position (GRCh38, 1-based): chr15:48,446,826, G>C on the plus strand (C>G on the coding strand, the complement: FBN1 is on the minus strand). VCF-style: chr15-48446826-G-C. GRCh37 (hg19) VCF-style: chr15-48739023-G-C.
Other names: c.5672-4C>G (NM_000138.4).
Identifiers: ClinVar variation 1712791 (VCV001712791.8), dbSNP rs2505458953, ClinGen allele CA2580089703.